The following is an entry in ClinVar:

ClinVar aggregate classification (germline): Pathogenic (1 of 4 stars; one submission).

Conditions:
Familial adenomatous polyposis 1 (FAP1). Also called: FAMILIAL ADENOMATOUS POLYPOSIS 1, ATTENUATED; POLYPOSIS, ADENOMATOUS INTESTINAL. Identifiers: MedGen C2713442, MONDO:0021056, OMIM 175100. Disease mechanism: loss of function.

Allele frequency attached by ClinVar (database versions not stated): TOPMed below 0.00001.

Submission:

Myriad Genetics, Inc.
Classification: Pathogenic for Familial adenomatous polyposis 1. Last evaluated: 2023-04-24. Review status: criteria provided, single submitter. Criteria: Myriad Autosomal Dominant, Autosomal Recessive and X-Linked Classification Criteria (2023). Collection method: clinical testing. Allele origin: unknown.
Comment: This variant is considered pathogenic. This variant creates a frameshift predicted to result in premature protein truncation.

NM_000038.6(APC):c.74_75insT (p.Gln25fs)

Gene: APC (APC regulator of Wnt signaling pathway; plus strand). Cytogenetic location: 5q22.2.
Variant type: Insertion.
Coding change: c.74_75insT on transcript NM_000038.6 (MANE Select); coding-DNA positions 74 to 75, T inserted.
Protein change: p.Gln25fs; shifts the reading frame from glutamine 25.
Molecular consequence: frameshift variant. On other transcripts: 5 prime UTR variant (4), non-coding transcript variant (2), intron variant (11).
Genome position: GRCh38 VCF-style: chr5-112754964-A-AT. GRCh37 (hg19) VCF-style: chr5-112090661-A-AT.
Other names: c.74_75insT, p.Gln25fs (NM_001127510.3, NM_001354895.2, NM_001354896.2 and 16 more transcripts); c.-962_-961insT (NM_001354906.2, NM_001407470.1, NM_001407471.1 and 1 more transcripts); c.166-11362_166-11361insT (NM_001407446.1, NM_001354897.2, NM_001354902.2 and 1 more transcripts); c.-42-11362_-42-11361insT (NM_001407453.1, NM_001354900.2, NM_001354901.2 and 1 more transcripts); c.61-11362_61-11361insT (NM_001407451.1, NM_001354898.2, NM_001354904.2); short protein forms Q25fs.
Identifiers: ClinVar variation 2583817 (VCV002583817.2), dbSNP rs1193918618, ClinGen allele CA802042675.